The following is an entry in ClinVar:

NM_020937.4(FANCM):c.655G>C (p.Ala219Pro)

Gene: FANCM (FA complementation group M; plus strand). Cytogenetic location: 14q21.2.
Variant type: single nucleotide variant.
Coding change: c.655G>C on transcript NM_020937.4 (MANE Select); coding-DNA position 655, G replaced by C.
Protein change: p.Ala219Pro; replaces alanine 219 with proline.
Molecular consequence: missense variant.
Genome position (GRCh38, 1-based): chr14:45,137,215, G>C. VCF-style: chr14-45137215-G-C. GRCh37 (hg19) VCF-style: chr14-45606418-G-C.
Other names: c.655G>C, p.Ala219Pro (NM_001308133.2, NM_001308134.2); short protein forms A219P.
Identifiers: ClinVar variation 4841762 (VCV004841762.1).

ClinVar aggregate classification (germline): Uncertain significance (1 of 4 stars; one submission).

Conditions:
Inborn genetic diseases. Identifiers: MedGen C0950123, MeSH D030342.

Submission:

Ambry Genetics
Classification: Uncertain significance for Inborn genetic diseases. Last evaluated: 2026-01-04. Review status: criteria provided, single submitter. Criteria: Ambry Variant Classification Scheme 2023. Collection method: clinical testing. Allele origin: germline.
Comment: The p.A219P variant (also known as c.655G>C), located in coding exon 2 of the FANCM gene, results from a G to C substitution at nucleotide position 655. The alanine at codon 219 is replaced by proline, an amino acid with highly similar properties. This amino acid position is conserved. In addition, the in silico prediction for this alteration is inconclusive. Based on the available evidence, the clinical significance of this variant remains unclear.